The following is an entry in ClinVar:

ClinVar aggregate classification (germline): Likely pathogenic (1 of 4 stars; one submission).

Submission:

CeGaT Center for Human Genetics Tuebingen
Classification: Likely pathogenic. Last evaluated: 2022-12-01. Review status: criteria provided, single submitter. Criteria: CeGaT Center For Human Genetics Tuebingen Variant Classification Criteria Version 2. Collection method: clinical testing. Allele origin: germline. Affected: yes. Observed: 1 variant allele.
Comment: CDCA7: PM1, PM2, PM3:Supporting, PP3

NM_031942.5(CDCA7):c.1223G>A (p.Cys408Tyr)

Gene: CDCA7 (cell division cycle associated 7; plus strand). Cytogenetic location: 2q31.1.
Variant type: single nucleotide variant.
Coding change: c.1223G>A on transcript NM_031942.5 (MANE Select); coding-DNA position 1223, G replaced by A.
Protein change: p.Cys408Tyr; replaces cysteine 408 with tyrosine.
Molecular consequence: missense variant.
Genome position (GRCh38, 1-based): chr2:173,367,187, G>A. VCF-style: chr2-173367187-G-A. GRCh37 (hg19) VCF-style: chr2-174231915-G-A.
Other names: c.986G>A, p.Cys329Tyr (NM_145810.3); short protein forms C329Y, C408Y.
Identifiers: ClinVar variation 1879493 (VCV001879493.29), dbSNP rs2468428826, ClinGen allele CA349331563.